The following is an entry in ClinVar:

ClinVar aggregate classification (germline): Likely pathogenic (1 of 4 stars; one submission).

Conditions:
Autism, susceptibility to, X-linked 1 (AUTSX1). Also called: Autism susceptibility, X-linked 1. Identifiers: MedGen C1845540, MONDO:0010321, OMIM 300425.

Submissions (2):

Medical Genetics Center, Maternal and Child Health Hospital of Hubei Province
Classification: Likely pathogenic for Autism, susceptibility to, X-linked 1. Last evaluated: 2024-02-20. Review status: criteria provided, single submitter. Criteria: ACMG Guidelines, 2015. Collection method: clinical testing. Allele origin: maternal. Affected: yes.
Comment: PP3_Strong+PM2_Supporting+PS3_Supporting

Dr. Peter K. Rogan Lab, Western University
No classification provided (evidence only). Condition: Melanoma. Review status: no classification provided. Collection method: in vitro. Allele origin: not applicable. Functional consequence: retained intron. Not counted in ClinVar's aggregate classification.

NM_181303.2(NLGN3):c.622G>A (p.Gly208Arg)

Gene: NLGN3 (neuroligin 3; plus strand). Cytogenetic location: Xq13.1.
Variant type: single nucleotide variant.
Coding change: c.622G>A on transcript NM_181303.2 (MANE Select); coding-DNA position 622, G replaced by A.
Protein change: p.Gly208Arg; replaces glycine 208 with arginine.
Molecular consequence: missense variant.
Genome position (GRCh38, 1-based): chrX:71,155,258, G>A. VCF-style: chrX-71155258-G-A. GRCh37 (hg19) VCF-style: chrX-70375108-G-A.
Other names: NC_000023.10:g.70375108G>A; c.502G>A, p.Gly168Arg (NM_001166660.2); c.211G>A, p.Gly71Arg (NM_001321276.2, NM_001438298.1); c.271G>A, p.Gly91Arg (NM_001437941.1, NM_001438296.1); c.562G>A, p.Gly188Arg (NM_018977.4); short protein forms G168R, G188R, G208R, G71R, G91R.
Identifiers: ClinVar variation 4082285 (VCV004082285.2).